The following is an entry in ClinVar:

ClinVar aggregate classification (germline): Uncertain significance (1 of 4 stars; one submission).

Conditions:
Agammaglobulinemia 7, autosomal recessive (AGM7). Also called: AGAMMAGLOBULINEMIA, AUTOSOMAL RECESSIVE, DUE TO PIK3R1 DEFECT. Identifiers: MedGen C3554689, MONDO:0014083, OMIM 615214.
SHORT syndrome. Also called: LIPODYSTROPHY, PARTIAL, WITH RIEGER ANOMALY AND SHORT STATURE; PIK3R1-Related SHORT Syndrome; SHORT STATURE, HYPEREXTENSIBILITY, HERNIA, OCULAR DEPRESSION, RIEGER ANOMALY, AND TEETHING DELAY. Identifiers: Orphanet 3163, MedGen C0878684, MONDO:0010026, OMIM 269880.
Immunodeficiency 36 with lymphoproliferation. Also called: Immunodeficiency 36; Activated PI3K Delta Syndrome Type 2 (APDS2); ACTIVATED PI3K-DELTA SYNDROME 2. Identifiers: Orphanet 397596, Orphanet 693681, MedGen C4014934, MONDO:0014453, OMIM 616005.

Allele frequency attached by ClinVar (database versions not stated): gnomAD exomes below 0.00001 and 0.00001; gnomAD 0.00001; TOPMed 0.00001; ExAC 0.00002; ESP Exome Variant Server 0.00008.
gnomAD v4.1: 10 of 1,614,008 alleles (0.00062%); highest among the groups gnomAD compares: African/African-American, 0.0013%; no homozygotes.

Submission:

Labcorp Genetics (formerly Invitae), Labcorp
Classification: Uncertain significance for SHORT syndrome; Immunodeficiency 36 with lymphoproliferation; Agammaglobulinemia 7, autosomal recessive. Last evaluated: 2023-10-03. Review status: criteria provided, single submitter. Criteria: Invitae Variant Classification Sherloc (09022015). Collection method: clinical testing. Allele origin: germline.
Comment: This sequence change replaces asparagine, which is neutral and polar, with serine, which is neutral and polar, at codon 711 of the PIK3R1 protein (p.Asn711Ser). This variant is present in population databases (rs374119964, gnomAD 0.007%). This variant has not been reported in the literature in individuals affected with PIK3R1-related conditions. ClinVar contains an entry for this variant (Variation ID: 964329). Advanced modeling of protein sequence and biophysical properties (such as structural, functional, and spatial information, amino acid conservation, physicochemical variation, residue mobility, and thermodynamic stability) has been performed at Invitae for this missense variant, however the output from this modeling did not meet the statistical confidence thresholds required to predict the impact of this variant on PIK3R1 protein function. In summary, the available evidence is currently insufficient to determine the role of this variant in disease. Therefore, it has been classified as a Variant of Uncertain Significance.

NM_181523.3(PIK3R1):c.2132A>G (p.Asn711Ser)

Gene: PIK3R1 (phosphoinositide-3-kinase regulatory subunit 1; plus strand). Cytogenetic location: 5q13.1.
Variant type: single nucleotide variant.
Coding change: c.2132A>G on transcript NM_181523.3 (MANE Select); coding-DNA position 2132, A replaced by G.
Protein change: p.Asn711Ser; replaces asparagine 711 with serine.
Molecular consequence: missense variant.
Genome position (GRCh38, 1-based): chr5:68,297,558, A>G. VCF-style: chr5-68297558-A-G. GRCh37 (hg19) VCF-style: chr5-67593386-A-G.
Other names: c.1043A>G, p.Asn348Ser (NM_001242466.2); c.1322A>G, p.Asn441Ser (NM_181504.4); c.1232A>G, p.Asn411Ser (NM_181524.2); short protein forms N441S, N711S, N348S, N411S.
Identifiers: ClinVar variation 964329 (VCV000964329.10), dbSNP rs374119964, ClinGen allele CA3290555.